The following is an entry in ClinVar:

ClinVar aggregate classification (germline): Uncertain significance (1 of 4 stars; one submission).

Conditions:
Hereditary cancer-predisposing syndrome. Also called: Tumor predisposition; Neoplastic Syndromes, Hereditary; Hereditary neoplastic syndrome; Hereditary Cancer Syndrome. Identifiers: Orphanet 140162, MedGen C0027672, MeSH D009386, MONDO:0015356.

Submission:

Ambry Genetics
Classification: Uncertain significance for Hereditary cancer-predisposing syndrome. Last evaluated: 2024-08-27. Review status: criteria provided, single submitter. Criteria: Ambry Variant Classification Scheme 2023. Collection method: clinical testing. Allele origin: germline.
Comment: The p.P590R variant (also known as c.1769C>G), located in coding exon 13 of the TSC1 gene, results from a C to G substitution at nucleotide position 1769. The proline at codon 590 is replaced by arginine, an amino acid with dissimilar properties. This amino acid position is conserved. In addition, this alteration is predicted to be tolerated by in silico analysis. Based on the available evidence, the clinical significance of this variant remains unclear.

NM_000368.5(TSC1):c.1769C>G (p.Pro590Arg)

Gene: TSC1 (TSC complex subunit 1; minus strand). Cytogenetic location: 9q34.13.
Variant type: single nucleotide variant.
Coding change: c.1769C>G on transcript NM_000368.5 (MANE Select); coding-DNA position 1769, C replaced by G.
Protein change: p.Pro590Arg; replaces proline 590 with arginine.
Molecular consequence: missense variant. On other transcripts: non-coding transcript variant (5).
Genome position (GRCh38, 1-based): chr9:132,905,809, G>C on the plus strand (C>G on the coding strand, the complement: TSC1 is on the minus strand). VCF-style: chr9-132905809-G-C. GRCh37 (hg19) VCF-style: chr9-135781196-G-C.
Other names: c.1766C>G, p.Pro589Arg (NM_001162426.2, NM_001406597.1, NM_001406598.1 and 6 more transcripts); c.1616C>G, p.Pro539Arg (NM_001162427.2, NM_001406610.1); c.1406C>G, p.Pro469Arg (NM_001362177.2, NM_001406614.1, NM_001406615.1 and 5 more transcripts); c.1769C>G, p.Pro590Arg (NM_001406592.1, NM_001406593.1, NM_001406594.1 and 7 more transcripts); c.1613C>G, p.Pro538Arg (NM_001406611.1, NM_001406612.1, NM_001406613.1); c.1403C>G, p.Pro468Arg (NM_001406620.1, NM_001406621.1, NM_001406622.1 and 2 more transcripts); c.818C>G, p.Pro273Arg (NM_001406626.1); c.815C>G, p.Pro272Arg (NM_001406627.1, NM_001406628.1); and 1 more; short protein forms P273R, P468R, P539R, P590R, P239R, P538R, P272R, P469R.
Identifiers: ClinVar variation 3462435 (VCV003462435.1).